The following is an entry in ClinVar:

ClinVar aggregate classification (germline): Likely benign. Review status: criteria provided, single submitter (1 of 4 stars). 2 submissions from 2 submitters: Likely benign (1). 1 of the submissions does not count toward it. Last evaluated 2022-08-04.

Conditions:
Inborn genetic diseases. Identifiers: MedGen C0950123, MeSH D030342.
ZNF526-related disorder. Also called: ZNF526-related condition.

Allele frequency attached by ClinVar (database versions not stated): gnomAD exomes 0.00020; gnomAD 0.00021; ExAC 0.00027; TOPMed 0.00030; ESP Exome Variant Server 0.00038.

Submissions (2):

Ambry Genetics
Classification: Likely benign for Inborn genetic diseases. Last evaluated: 2022-08-04. Review status: criteria provided, single submitter. Criteria: Ambry Variant Classification Scheme 2023. Collection method: clinical testing. Allele origin: germline.

PreventionGenetics, part of Exact Sciences
Classification: Likely benign for ZNF526-related condition. Last evaluated: 2020-02-11. Review status: no assertion criteria provided. Collection method: clinical testing. Allele origin: germline. Not counted in ClinVar's aggregate classification.
Comment: This variant is classified as likely benign based on ACMG/AMP sequence variant interpretation guidelines (Richards et al. 2015 PMID: 25741868, with internal and published modifications).

NM_133444.3(ZNF526):c.1668T>A (p.Phe556Leu)

Gene: ZNF526 (zinc finger protein 526; plus strand). Cytogenetic location: 19q13.2.
Variant type: single nucleotide variant.
Coding change: c.1668T>A on transcript NM_133444.3 (MANE Select); coding-DNA position 1668, T replaced by A.
Protein change: p.Phe556Leu; replaces phenylalanine 556 with leucine.
Molecular consequence: missense variant.
Genome position (GRCh38, 1-based): chr19:42,226,071, T>A. VCF-style: chr19-42226071-T-A. GRCh37 (hg19) VCF-style: chr19-42730223-T-A.
Other names: c.1668T>A, p.Phe556Leu (NM_001314033.3); c.1668T>A (NM_133444.2); short protein forms F556L.
Identifiers: ClinVar variation 2330802 (VCV002330802.4), dbSNP rs148255924, ClinGen allele CA9470624.